The following is an entry in ClinVar:

NM_001429.4(EP300):c.291T>C (p.Val97=)

Gene: EP300 (E1A binding protein p300; plus strand). Cytogenetic location: 22q13.2.
Variant type: single nucleotide variant.
Coding change: c.291T>C on transcript NM_001429.4 (MANE Select); coding-DNA position 291, T replaced by C.
Protein change: p.Val97=; no amino-acid change (valine 97 retained).
Molecular consequence: synonymous variant.
Genome position (GRCh38, 1-based): chr22:41,117,383, T>C. VCF-style: chr22-41117383-T-C. GRCh37 (hg19) VCF-style: chr22-41513387-T-C.
Other names: c.291T>C, p.Val97= (NM_001362843.2).
Identifiers: ClinVar variation 3356603 (VCV003356603.1).

ClinVar aggregate classification (germline): Likely benign (0 of 4 stars; one submission).

Conditions:
EP300-related disorder. Also called: EP300-related disorders; EP300-related condition.

Submission:

PreventionGenetics, part of Exact Sciences
Classification: Likely benign for EP300-related condition. Last evaluated: 2023-06-22. Review status: no assertion criteria provided. Collection method: clinical testing. Allele origin: germline.
Comment: This variant is classified as likely benign based on ACMG/AMP sequence variant interpretation guidelines (Richards et al. 2015 PMID: 25741868, with internal and published modifications).